The following is an entry in ClinVar:

GRCh37/hg19 Xp21.1(chrX:32681049-33090616)x2

Gene: DMD (dystrophin; minus strand). Cytogenetic location: Xp21.1.
Variant type: copy number gain.
Change: copy number 2 of chrX:32,681,049-33,090,616 (409.6 kb, GRCh37 coordinates, 1-based), cytogenetic band Xp21.1.
Identifiers: ClinVar variation 1807691 (VCV001807691.1).

ClinVar aggregate classification (germline): Pathogenic (1 of 4 stars; one submission).

Submission:

Quest Diagnostics Nichols Institute San Juan Capistrano
Classification: Pathogenic. Last evaluated: 2021-06-11. Review status: criteria provided, single submitter. Criteria: ACMG/ClinGen CNV Guidelines, 2019. Collection method: clinical testing. Allele origin: unknown.
Comment: The Xp21.1 gain involves exons 2-9 of DMD (OMIM 300377; NM_004006.3) and is predicted to cause phenotypic and/or developmental abnormalities. Haploinsufficiency of DMD due to whole gene and partial deletions, partial duplications, or sequence variants is associated with a spectrum of X-linked muscle disorders known as dystrophinopathies, which include Duchenne muscular dystrophy (DMD; OMIM 310200), Becker muscular dystrophy (BMD; OMIM 300376), and dilated cardiomyopathy-3B (CMD3B; OMIM 302045). In general, mutations leading to a complete dystrophin loss-of-function cause DMD, while those that result in reduced protein levels and/or malfunction lead to BMD (Aartsma-Rus et al., Muscle Nerve. 2006 Aug;34(2):135-44. PMID 16770791). Variants of the muscle promoter and first exon of cardiac-specific dystrophin gene expression lead to CMD3B (Muntoni et al., N Engl J Med. 1993 Sep 23;329(13):921-5. PMID: 8361506; Milasin et al., Hum Mol Genet. 1996 Jan;5(1):73-9. PMID: 8789442; Bastianutto et al., Hum Mol Genet. 2001 Nov 1;10(23):2627-35. PMID: 11726549). Intragenic DMD duplications account for approximately 10% of DMD-related muscular dystrophy cases (Lim et al., J Pers Med 2020;10(4):241, PMID: 33238405; Neri et al., Front Genet 2020;11:131, PMID: 32194622). Of note, similar duplications involving exons 2-9 of DMD have been reported in the published literature in two males with DMD (White et al., Am J Hum Genet. 2002 Aug;71(2):365-74. PMID: 12111668; Cunniff et al., J Child Neurol. 2009 Apr;24(4):425-30. PMID: 19074751). Female carriers may have milder manifestation depending on their status of X-inactivation.